The following is an entry in ClinVar:

NM_054012.4(ASS1):c.241G>A (p.Ala81Thr)

Gene: ASS1 (argininosuccinate synthase 1; plus strand). Cytogenetic location: 9q34.11.
Variant type: single nucleotide variant.
Coding change: c.241G>A on transcript NM_054012.4 (MANE Select); coding-DNA position 241, G replaced by A.
Protein change: p.Ala81Thr; replaces alanine 81 with threonine.
Molecular consequence: missense variant.
Genome position (GRCh38, 1-based): chr9:130,458,467, G>A. VCF-style: chr9-130458467-G-A. GRCh37 (hg19) VCF-style: chr9-133333854-G-A.
Other names: c.241G>A, p.Ala81Thr (NM_000050.4); short protein forms A81T.
Identifiers: ClinVar variation 365252 (VCV000365252.13), dbSNP rs141640176, ClinGen allele CA5283205.

ClinVar aggregate classification (germline): Uncertain significance. Review status: criteria provided, multiple submitters, no conflicts (2 of 4 stars). 4 submissions from 4 submitters: Uncertain significance (3). 1 of the submissions does not count toward it. Last evaluated 2024-11-11.

Conditions:
Citrullinemia type I (CTNL1). Also called: ASS DEFICIENCY; argininosuccinate synthetase deficiency. Identifiers: Orphanet 247525, MedGen C4721769, MONDO:0008988, OMIM 215700.
Citrullinemia. Identifiers: Orphanet 187, MedGen C0175683, MONDO:0015991.

Allele frequency attached by ClinVar (database versions not stated): TOPMed 0.00011; gnomAD 0.00013 and 0.00016; gnomAD exomes 0.00014 and 0.00024; ESP Exome Variant Server 0.00015; ExAC 0.00026; 1000 Genomes Project 30x 0.00094; 1000 Genomes Project 0.00120.
gnomAD v4.1: 238 of 1,612,324 alleles (0.015%); highest among the groups gnomAD compares: South Asian, 0.12%; 2 homozygotes.

Submissions (4):

Blueprint Genetics
Classification: Uncertain significance. Last evaluated: 2024-11-11. Review status: criteria provided, single submitter. Criteria: ACMG Guidelines, 2015. Collection method: clinical testing. Allele origin: germline.

Labcorp Genetics (formerly Invitae), Labcorp
Classification: Uncertain significance for Citrullinemia. Last evaluated: 2022-07-18. Review status: criteria provided, single submitter. Criteria: Invitae Variant Classification Sherloc (09022015). Collection method: clinical testing. Allele origin: germline.
Comment: This sequence change replaces alanine, which is neutral and non-polar, with threonine, which is neutral and polar, at codon 81 of the ASS1 protein (p.Ala81Thr). This variant is present in population databases (rs141640176, gnomAD 0.1%). This variant has not been reported in the literature in individuals affected with ASS1-related conditions. ClinVar contains an entry for this variant (Variation ID: 365252). Algorithms developed to predict the effect of missense changes on protein structure and function (SIFT, PolyPhen-2, Align-GVGD) all suggest that this variant is likely to be tolerated. In summary, the available evidence is currently insufficient to determine the role of this variant in disease. Therefore, it has been classified as a Variant of Uncertain Significance.

Illumina Laboratory Services, Illumina
Classification: Uncertain significance for Citrullinemia type I. Last evaluated: 2018-01-13. Review status: criteria provided, single submitter. Criteria: ICSL Variant Classification Criteria 13 December 2019. Collection method: clinical testing. Allele origin: germline.

Natera, Inc.
Classification: Uncertain significance for Citrullinemia type I. Last evaluated: 2020-04-23. Review status: no assertion criteria provided. Collection method: clinical testing. Allele origin: germline. Not counted in ClinVar's aggregate classification.